The following is an entry in ClinVar:

ClinVar aggregate classification (germline): Uncertain significance (1 of 4 stars; one submission).

Conditions:
Inborn genetic diseases. Identifiers: MedGen C0950123, MeSH D030342.

gnomAD v4.1: 1 of 1,613,842 alleles (0.000062%); highest among the groups gnomAD compares: Non-Finnish European, 0.000085%; no homozygotes.

Submission:

Ambry Genetics
Classification: Uncertain significance for Inborn genetic diseases. Last evaluated: 2025-04-21. Review status: criteria provided, single submitter. Criteria: Ambry Variant Classification Scheme 2023. Collection method: clinical testing. Allele origin: germline.
Comment: The p.T1150I variant (also known as c.3449C>T), located in coding exon 1 of the SAMD9L gene, results from a C to T substitution at nucleotide position 3449. The threonine at codon 1150 is replaced by isoleucine, an amino acid with similar properties. This amino acid position is conserved. In addition, this alteration is predicted to be tolerated by in silico analysis. Based on the available evidence, the clinical significance of this variant remains unclear.

NM_152703.5(SAMD9L):c.3449C>T (p.Thr1150Ile)

Gene: SAMD9L (sterile alpha motif domain containing 9 like; minus strand). Cytogenetic location: 7q21.2.
Variant type: single nucleotide variant.
Coding change: c.3449C>T on transcript NM_152703.5 (MANE Select); coding-DNA position 3449, C replaced by T.
Protein change: p.Thr1150Ile; replaces threonine 1150 with isoleucine.
Molecular consequence: missense variant.
Genome position (GRCh38, 1-based): chr7:93,132,523, G>A on the plus strand (C>T on the coding strand, the complement: SAMD9L is on the minus strand). VCF-style: chr7-93132523-G-A. GRCh37 (hg19) VCF-style: chr7-92761836-G-A.
Other names: c.3449C>T, p.Thr1150Ile (NM_001303496.3, NM_001303497.3, NM_001303498.3 and 5 more transcripts); short protein forms T1150I.
Identifiers: ClinVar variation 3949868 (VCV003949868.1).